The following is an entry in ClinVar:

ClinVar aggregate classification (germline): Conflicting classifications of pathogenicity. Review status: criteria provided, conflicting classifications (1 of 4 stars). 2 submissions from 2 submitters: Uncertain significance (1); Likely benign (1). Last evaluated 2024-07-01.

Conditions:
Surfactant metabolism dysfunction, pulmonary, 4 (SMDP4). Also called: PAP DUE TO CSF2RA DEFICIENCY; PULMONARY ALVEOLAR PROTEINOSIS, CONGENITAL, 4; CSF2RA DEFICIENCY. Identifiers: Orphanet 264675, MedGen C2677877, MONDO:0010424, OMIM 300770.

Allele frequency attached by ClinVar (database versions not stated): ExAC 0.00016; gnomAD 0.00016 and 0.00019; gnomAD exomes 0.00018; TOPMed 0.00022; ESP Exome Variant Server 0.00069.
gnomAD v4.1: 766 of 1,613,768 alleles (0.047%); highest among the groups gnomAD compares: Non-Finnish European, 0.061%; 2 homozygotes.

Submissions (2):

CeGaT Center for Human Genetics Tuebingen
Classification: Likely benign. Last evaluated: 2024-07-01. Review status: criteria provided, single submitter. Criteria: CeGaT Center For Human Genetics Tuebingen Variant Classification Criteria Version 2. Collection method: clinical testing. Allele origin: germline. Affected: yes. Observed: 1 variant allele.
Comment: CSF2RA: BS2

Labcorp Genetics (formerly Invitae), Labcorp
Classification: Uncertain significance for Surfactant metabolism dysfunction, pulmonary, 4. Last evaluated: 2022-08-15. Review status: criteria provided, single submitter. Criteria: Invitae Variant Classification Sherloc (09022015). Collection method: clinical testing. Allele origin: germline.
Comment: This sequence change replaces arginine, which is basic and polar, with histidine, which is basic and polar, at codon 84 of the CSF2RA protein (p.Arg84His). This variant is present in population databases (no rsID available, gnomAD 0.04%). This variant has not been reported in the literature in individuals affected with CSF2RA-related conditions. ClinVar contains an entry for this variant (Variation ID: 642779). Algorithms developed to predict the effect of missense changes on protein structure and function are either unavailable or do not agree on the potential impact of this missense change (SIFT: "Tolerated"; PolyPhen-2: "Not Available"; Align-GVGD: "Class C0"). In summary, the available evidence is currently insufficient to determine the role of this variant in disease. Therefore, it has been classified as a Variant of Uncertain Significance.

NM_172245.4(CSF2RA):c.251G>A (p.Arg84His)

Gene: CSF2RA (colony stimulating factor 2 receptor subunit alpha; plus strand). Cytogenetic location: Xp22.33.
Variant type: single nucleotide variant.
Coding change: c.251G>A on transcript NM_172245.4 (MANE Select); coding-DNA position 251, G replaced by A.
Protein change: p.Arg84His; replaces arginine 84 with histidine.
Molecular consequence: missense variant. On other transcripts: 5 prime UTR variant (1), non-coding transcript variant (1).
Genome position (GRCh38, 1-based): chrX:1,288,550, G>A. VCF-style: chrX-1288550-G-A. GRCh37 (hg19) VCF-style: chrX-1407443-G-A.
Other names: c.251G>A, p.Arg84His (NM_001161529.2, NM_001161530.2, NM_001161531.2 and 20 more transcripts); c.-149G>A (NM_001161532.2); short protein forms R84H.
Identifiers: ClinVar variation 642779 (VCV000642779.22), dbSNP rs111646204, ClinGen allele CA10330740.